The following is an entry in ClinVar:

NM_152743.4(BRAT1):c.2258C>T (p.Pro753Leu)

Gene: BRAT1 (BRCA1 associated ATM activator 1; minus strand). Cytogenetic location: 7p22.3.
Variant type: single nucleotide variant.
Coding change: c.2258C>T on transcript NM_152743.4 (MANE Select); coding-DNA position 2258, C replaced by T.
Protein change: p.Pro753Leu; replaces proline 753 with leucine.
Molecular consequence: missense variant. On other transcripts: non-coding transcript variant (1).
Genome position (GRCh38, 1-based): chr7:2,538,277, G>A on the plus strand (C>T on the coding strand, the complement: BRAT1 is on the minus strand). VCF-style: chr7-2538277-G-A. GRCh37 (hg19) VCF-style: chr7-2577911-G-A.
Other names: c.2438C>T, p.Pro813Leu (NM_001350626.2); c.1733C>T, p.Pro578Leu (NM_001350627.2); short protein forms P753L, P813L, P578L.
Identifiers: ClinVar variation 949461 (VCV000949461.9), dbSNP rs199914857, ClinGen allele CA4127413.

ClinVar aggregate classification (germline): Uncertain significance. Review status: criteria provided, multiple submitters, no conflicts (2 of 4 stars). 2 submissions from 2 submitters: Uncertain significance (2). Last evaluated 2025-03-28.

Conditions:
Inborn genetic diseases. Identifiers: MedGen C0950123, MeSH D030342.
Neonatal-onset encephalopathy with rigidity and seizures. Also called: Lethal neonatal spasticity-epileptic encephalopathy syndrome. Identifiers: Orphanet 435845, MedGen C3281029, MONDO:0013784, OMIM 614498.

Allele frequency attached by ClinVar (database versions not stated): 1000 Genomes Project 30x 0.00016; TOPMed 0.00002; ExAC 0.00003; 1000 Genomes Project 0.00020; gnomAD exomes 0.00003.
gnomAD v4.1: 35 of 1,611,766 alleles (0.0022%); highest among the groups gnomAD compares: Admixed American, 0.0067%; no homozygotes.

Submissions (2):

Ambry Genetics
Classification: Uncertain significance for Inborn genetic diseases. Last evaluated: 2025-03-28. Review status: criteria provided, single submitter. Criteria: Ambry Variant Classification Scheme 2023. Collection method: clinical testing. Allele origin: germline.

Labcorp Genetics (formerly Invitae), Labcorp
Classification: Uncertain significance for Neonatal-onset encephalopathy with rigidity and seizures. Last evaluated: 2025-01-06. Review status: criteria provided, single submitter. Criteria: Invitae Variant Classification Sherloc (09022015). Collection method: clinical testing. Allele origin: germline.
Comment: This sequence change replaces proline, which is neutral and non-polar, with leucine, which is neutral and non-polar, at codon 753 of the BRAT1 protein (p.Pro753Leu). This variant is present in population databases (rs199914857, gnomAD 0.01%). This missense change has been observed in individual(s) with clinical features of BRAT1-related conditions (internal data). ClinVar contains an entry for this variant (Variation ID: 949461). Invitae Evidence Modeling of protein sequence and biophysical properties (such as structural, functional, and spatial information, amino acid conservation, physicochemical variation, residue mobility, and thermodynamic stability) indicates that this missense variant is not expected to disrupt BRAT1 protein function with a negative predictive value of 95%. In summary, the available evidence is currently insufficient to determine the role of this variant in disease. Therefore, it has been classified as a Variant of Uncertain Significance.